The following is an entry in ClinVar:

ClinVar aggregate classification (germline): Benign. Review status: criteria provided, multiple submitters, no conflicts (2 of 4 stars). 3 submissions from 2 submitters: Benign (3). Last evaluated 2018-01-13.

Conditions:
Alternating hemiplegia of childhood 1 (AHC1). Identifiers: Orphanet 2131, MedGen C3549447, MONDO:0007087, OMIM 104290.
Migraine, familial hemiplegic, 2. Identifiers: Orphanet 569, MedGen C1865322, MONDO:0011232, OMIM 602481.

Allele frequency attached by ClinVar (database versions not stated): 1000 Genomes Project 0.07009; 1000 Genomes Project 30x 0.07121; TOPMed 0.09451; gnomAD 0.10464 and 0.10471; gnomAD exomes 0.12500.
gnomAD v4.1: 15,922 of 152,106 alleles (10%); highest among the groups gnomAD compares: Non-Finnish European, 14%; 1,067 homozygotes.

Submissions (3):

Illumina Laboratory Services, Illumina
Classification: Benign for Migraine, familial hemiplegic, 2. Last evaluated: 2018-01-13. Review status: criteria provided, single submitter. Criteria: ICSL Variant Classification Criteria 13 December 2019. Collection method: clinical testing. Allele origin: germline.
Comment: This variant was observed in the ICSL laboratory as part of a predisposition screen in an ostensibly healthy population. It had not been previously curated by ICSL or reported in the Human Gene Mutation Database (HGMD: prior to June 1st, 2018), and was therefore a candidate for classification through an automated scoring system. Utilizing variant allele frequency, disease prevalence and penetrance estimates, and inheritance mode, an automated score was calculated to assess if this variant is too frequent to cause the disease. Based on the score and internal cut-off values, a variant classified as benign is not then subjected to further curation. The score for this variant resulted in a classification of benign for this disease.

Illumina Laboratory Services, Illumina
Classification: Benign for Alternating hemiplegia of childhood 1. Last evaluated: 2018-01-13. Review status: criteria provided, single submitter. Criteria: ICSL Variant Classification Criteria 13 December 2019. Collection method: clinical testing. Allele origin: germline.
Comment: the same text as in the submission from Illumina Laboratory Services, Illumina above.

Breakthrough Genomics
Classification: Benign. Review status: criteria provided, single submitter. Criteria: ACMG Guidelines, 2015. Collection method: not provided. Allele origin: germline. Inheritance: Autosomal recessive inheritance. Affected: yes.

NM_000702.4(ATP1A2):c.*1548C>T

Gene: ATP1A2 (ATPase Na+/K+ transporting subunit alpha 2; plus strand). Cytogenetic location: 1q23.2.
Variant type: single nucleotide variant.
Coding change: c.*1548C>T on transcript NM_000702.4 (MANE Select); 1548 bases downstream of the stop codon, C replaced by T.
Molecular consequence: 3 prime UTR variant.
Genome position (GRCh38, 1-based): chr1:160,142,870, C>T. VCF-style: chr1-160142870-C-T. GRCh37 (hg19) VCF-style: chr1-160112660-C-T.
Identifiers: ClinVar variation 293178 (VCV000293178.6), dbSNP rs56003400, ClinGen allele CA10608424.